The following is an entry in ClinVar:

ClinVar aggregate classification (germline): Uncertain significance (1 of 4 stars; one submission).

Conditions:
Malignant hyperthermia, susceptibility to, 1 (MHS1). Also called: Anesthesia related hyperthermia; Malignant hyperpyrexia; Fulminating hyperpyrexia; Pharmacogenic myopathy; RYR1-Related Malignant Hyperthermia Susceptibility; Malignant hyperthermia suceptibility 1. Identifiers: Orphanet 423, MedGen C2930980, MONDO:0007783, OMIM 145600.

Submission:

All of Us Research Program, National Institutes of Health
Classification: Uncertain significance for Malignant hyperthermia, susceptibility to, 1. Last evaluated: 2023-08-15. Review status: criteria provided, single submitter. Criteria: ACMG Guidelines, 2015. Collection method: clinical testing. Allele origin: germline. Inheritance: Autosomal dominant inheritance. Observed: 1 variant allele, 1 heterozygote.
Comment: This variant causes a C to G nucleotide substitution at the +6 position of intron 57 of the RYR1 gene. To our knowledge, functional studies have not been reported for this variant. This variant has not been reported in individuals affected with RYR1-related disorders in the literature. This variant has not been identified in the general population by the Genome Aggregation Database (gnomAD). The available evidence is insufficient to determine the role of this variant in disease conclusively. Therefore, this variant is classified as a Variant of Uncertain Significance.

This study involves interpretation of variants in research participants for the purpose of population health screening. Participant phenotype was not available at the time of variant classification. Additional details can be found in publication PMID: 35346344, PMCID: PMC8962531

NM_000540.3(RYR1):c.8816+6C>G

Gene: RYR1 (ryanodine receptor 1; plus strand). Cytogenetic location: 19q13.2.
Variant type: single nucleotide variant.
Coding change: c.8816+6C>G on transcript NM_000540.3 (MANE Select); 6 bases into the intron after coding-DNA position 8816, C replaced by G.
Molecular consequence: intron variant.
Genome position (GRCh38, 1-based): chr19:38,506,958, C>G. VCF-style: chr19-38506958-C-G. GRCh37 (hg19) VCF-style: chr19-38997598-C-G.
Other names: c.8816+6C>G (NM_001042723.2).
Identifiers: ClinVar variation 3072986 (VCV003072986.1), dbSNP rs770151836, ClinGen allele CA2825002795.
Genomic context (GRCh38, chr19:38,506,958, plus strand): 5'-AGAAGGCCCAGGAGCTACTGAAATTCCTGCAGATGAATGGCTACGCGGTTACAAGGCACG[C>G]GGGTTGGGGCTCCCGCGGAAGAGCAGCAGGCAGAACACACCCGGCAAAGGCTGGAAGGGG-3'